The following is an entry in ClinVar:

NM_023036.6(DNAI2):c.146_151del (p.Thr49_Gly50del)

Gene: DNAI2 (dynein axonemal intermediate chain 2; plus strand). Cytogenetic location: 17q25.1.
Variant type: Deletion.
Coding change: c.146_151del on transcript NM_023036.6 (MANE Select); coding-DNA positions 146 to 151, 6 bases deleted (CGGGCA; older notation c.146_151delCGGGCA).
Protein change: p.Thr49_Gly50del.
Molecular consequence: inframe deletion. On other transcripts: non-coding transcript variant (1).
Genome position (GRCh38, 1-based): chr17:74,281,963-74,281,968, CGGGCA deleted; deleting any 6 consecutive bases within chr17:74,281,961-74,281,968 gives the same sequence; the c. name uses the placement nearest the transcript's 3' end. VCF-style (leftmost placement, unchanged base first): chr17-74281960-ACACGGG-A. GRCh37 (hg19) VCF-style: chr17-72278099-ACACGGG-A.
Other names: c.146_151del, p.Thr49_Gly50del (NM_001172810.3, NM_001353167.2).
Identifiers: ClinVar variation 5003796 (VCV005003796.1).
Genomic context (GRCh38, chr17:74,281,960, plus strand): 5'-ACATCGACATCATGCCCAACCCTGAGCTGGCCGAGCAGTTCGTGGAGCGGAACCCAGTGG[ACACGGG>A]CATCCAGTGCTCGATCAGCATGTCGGAACACGAGGTGGGTCCCTGCCCCAAGGGCCCTGG-3'

ClinVar aggregate classification (germline): Uncertain significance (1 of 4 stars; one submission).

Conditions:
Primary ciliary dyskinesia 9. Also called: CILIARY DYSKINESIA, PRIMARY, 9, WITH OR WITHOUT SITUS INVERSUS. Identifiers: Orphanet 244, MedGen C2676235, MONDO:0012906, OMIM 612444.

Submission:

Myriad Genetics, Inc.
Classification: Uncertain significance for Primary ciliary dyskinesia 9. Last evaluated: 2026-09-02. Review status: criteria provided, single submitter. Criteria: Myriad Autosomal Dominant, Autosomal Recessive and X-Linked Classification Criteria (2023). Collection method: clinical testing. Allele origin: unknown.
Comment: NM_023036.4(DNAI2):c.146_151del6(T49_G50del) is an in-frame deletion classified as a variant of uncertain significance in the context of primary ciliary dyskinesia, DNAI2-related. T49_G50del has not been observed in cases with relevant disease. Relevant functional assessments of this variant are not available in the literature. T49_G50del has not been observed in referenced population frequency databases. In summary, there is insufficient evidence to classify NM_023036.4(DNAI2):c.146_151del6(T49_G50del) as pathogenic or benign. Please note: this variant was assessed in the context of healthy population screening.